The following is an entry in ClinVar:

NM_203446.3(SYNJ1):c.851+5G>A

Gene: SYNJ1 (synaptojanin 1; minus strand). Cytogenetic location: 21q22.11.
Variant type: single nucleotide variant.
Coding change: c.851+5G>A on transcript NM_203446.3 (MANE Select); 5 bases into the intron after coding-DNA position 851, G replaced by A.
Molecular consequence: intron variant.
Genome position (GRCh38, 1-based): chr21:32,688,301, C>T on the plus strand (G>A on the coding strand, the complement: SYNJ1 is on the minus strand). VCF-style: chr21-32688301-C-T. GRCh37 (hg19) VCF-style: chr21-34060611-C-T.
Other names: c.968+5G>A (NM_003895.4); c.851+5G>A (NM_001160302.2, NM_001160306.2).
Identifiers: ClinVar variation 1406258 (VCV001406258.9), dbSNP rs758443410, ClinGen allele CA10004027.
Genomic context (GRCh38, chr21:32,688,301, plus strand): 5'-AAATACAAGCAGTCCCACTGCTTAGCAATATCAAAACTTAAAGCACTATGTAAAAATTGT[C>T]TTACCTGTCAAAAGCAGGTGCATTGGCTTCAAATCCCCTTGACATACGGACACGATGAGA-3'

ClinVar aggregate classification (germline): Uncertain significance (1 of 4 stars; one submission).

Conditions:
Developmental and epileptic encephalopathy, 53. Also called: Epileptic encephalopathy, early infantile, 53. Identifiers: MedGen C4479313, MONDO:0033362, OMIM 617389.
Early-onset Parkinson disease 20. Also called: PARKINSON DISEASE 20, AUTOSOMAL RECESSIVE EARLY-ONSET. Identifiers: Orphanet 391411, MedGen C3809824, MONDO:0014233, OMIM 615530.

Allele frequency attached by ClinVar (database versions not stated): gnomAD 0.00001; TOPMed 0.00001; gnomAD exomes 0.00002; ExAC 0.00003.
gnomAD v4.1: 15 of 1,612,790 alleles (0.00093%); highest among the groups gnomAD compares: Middle Eastern, 0.05%; no homozygotes.

Submission:

Labcorp Genetics (formerly Invitae), Labcorp
Classification: Uncertain significance for Developmental and epileptic encephalopathy, 53; Early-onset Parkinson disease 20. Last evaluated: 2022-10-18. Review status: criteria provided, single submitter. Criteria: Invitae Variant Classification Sherloc (09022015). Collection method: clinical testing. Allele origin: germline.
Comment: This sequence change falls in intron 7 of the SYNJ1 gene. It does not directly change the encoded amino acid sequence of the SYNJ1 protein. It affects a nucleotide within the consensus splice site. This variant is present in population databases (rs758443410, gnomAD 0.004%). This variant has not been reported in the literature in individuals affected with SYNJ1-related conditions. ClinVar contains an entry for this variant (Variation ID: 1406258). Variants that disrupt the consensus splice site are a relatively common cause of aberrant splicing (PMID: 17576681, 9536098). Algorithms developed to predict the effect of sequence changes on RNA splicing suggest that this variant is not likely to affect RNA splicing. In summary, the available evidence is currently insufficient to determine the role of this variant in disease. Therefore, it has been classified as a Variant of Uncertain Significance.

Literature cited by the submitters: PubMed 17576681; PubMed 9536098.